The following is an entry in ClinVar:

NM_002439.5(MSH3):c.2792T>C (p.Ile931Thr)

Gene: MSH3 (mutS homolog 3; plus strand). Cytogenetic location: 5q14.1.
Variant type: single nucleotide variant.
Coding change: c.2792T>C on transcript NM_002439.5 (MANE Select); coding-DNA position 2792, T replaced by C.
Protein change: p.Ile931Thr; replaces isoleucine 931 with threonine.
Molecular consequence: missense variant.
Genome position (GRCh38, 1-based): chr5:80,813,720, T>C. VCF-style: chr5-80813720-T-C. GRCh37 (hg19) VCF-style: chr5-80109539-T-C.
Other names: short protein forms I931T.
Identifiers: ClinVar variation 3222278 (VCV003222278.1), dbSNP rs2546797451, ClinGen allele CA360274083.
Genomic context (GRCh38, chr5:80,813,720, plus strand): 5'-TGATTACCATCATGGCTCAGATTGGCTCCTATGTTCCTGCAGAAGAAGCGACAATTGGGA[T>C]TGTGGATGGCATTTTCACAAGGTAAGTACGTTAATTCAGCTTGCATATATTCTTGAAAAT-3'
Protein context (NP_002430.3, residues 921-941): YVPAEEATIG[Ile931Thr]VDGIFTRMGA

ClinVar aggregate classification (germline): Uncertain significance (1 of 4 stars; one submission).

Conditions:
Hereditary cancer-predisposing syndrome. Also called: Tumor predisposition; Hereditary neoplastic syndrome; Hereditary Cancer Syndrome; Neoplastic Syndromes, Hereditary. Identifiers: Orphanet 140162, MedGen C0027672, MeSH D009386, MONDO:0015356.

Submission:

Ambry Genetics
Classification: Uncertain significance for Hereditary cancer-predisposing syndrome. Last evaluated: 2023-10-15. Review status: criteria provided, single submitter. Criteria: Ambry Variant Classification Scheme 2023. Collection method: clinical testing. Allele origin: germline.
Comment: The p.I931T variant (also known as c.2792T>C), located in coding exon 20 of the MSH3 gene, results from a T to C substitution at nucleotide position 2792. The isoleucine at codon 931 is replaced by threonine, an amino acid with similar properties. This amino acid position is conserved. In addition, the in silico prediction for this alteration is inconclusive. Since supporting evidence is limited at this time, the clinical significance of this alteration remains unclear.